The following is an entry in ClinVar:

ClinVar aggregate classification (germline): Uncertain significance. Review status: criteria provided, multiple submitters, no conflicts (2 of 4 stars). 3 submissions from 3 submitters: Uncertain significance (3). Last evaluated 2026-03-02.

Conditions:
Inborn genetic diseases. Identifiers: MedGen C0950123, MeSH D030342.

Allele frequency attached by ClinVar (database versions not stated): gnomAD exomes 0.00001; gnomAD 0.00008; TOPMed 0.00009; ESP Exome Variant Server 0.00015.
gnomAD v4.1: 26 of 1,584,508 alleles (0.0016%); highest among the groups gnomAD compares: African/African-American, 0.033%; no homozygotes.

Submissions (3):

Women's Health and Genetics/Laboratory Corporation of America, LabCorp
Classification: Uncertain significance. Last evaluated: 2026-03-02. Review status: criteria provided, single submitter. Criteria: LabCorp Variant Classification Summary - May 2015. Collection method: clinical testing. Allele origin: germline.
Comment: Variant summary: SLC33A1 c.140G>A (p.Gly47Glu) results in a non-conservative amino acid change in the encoded protein sequence. Algorithms developed to predict the effect of missense changes on protein structure and function are either unavailable or do not agree on the potential impact of this missense change. The variant allele was found at a frequency of 1.3e-05 in 226638 control chromosomes. The available data on variant occurrences in the general population are insufficient to allow any conclusion about variant significance. To our knowledge, no occurrence of c.140G>A in individuals affected with SLC33A1-related conditions and no experimental evidence demonstrating its impact on protein function have been reported. ClinVar contains an entry for this variant (Variation ID: 2661980). Based on the evidence outlined above, the variant was classified as uncertain significance.

Ambry Genetics
Classification: Uncertain significance for Inborn genetic diseases. Last evaluated: 2025-09-04. Review status: criteria provided, single submitter. Criteria: Ambry Variant Classification Scheme 2023. Collection method: clinical testing. Allele origin: germline.

GeneDx
Classification: Uncertain significance. Last evaluated: 2023-04-25. Review status: criteria provided, single submitter. Criteria: GeneDx Variant Classification Process June 2021. Collection method: clinical testing. Allele origin: germline. Affected: yes.
Comment: In silico analysis supports that this missense variant does not alter protein structure/function; Has not been previously published as pathogenic or benign to our knowledge

NM_004733.4(SLC33A1):c.140G>A (p.Gly47Glu)

Gene: SLC33A1 (solute carrier family 33 member 1; minus strand). Cytogenetic location: 3q25.31.
Variant type: single nucleotide variant.
Coding change: c.140G>A on transcript NM_004733.4 (MANE Select); coding-DNA position 140, G replaced by A.
Protein change: p.Gly47Glu; replaces glycine 47 with glutamic acid.
Molecular consequence: missense variant.
Genome position (GRCh38, 1-based): chr3:155,853,858, C>T on the plus strand (G>A on the coding strand, the complement: SLC33A1 is on the minus strand). VCF-style: chr3-155853858-C-T. GRCh37 (hg19) VCF-style: chr3-155571647-C-T.
Other names: c.140G>A, p.Gly47Glu (NM_001190992.2, NM_001363883.1); short protein forms G47E.
Identifiers: ClinVar variation 2661980 (VCV002661980.5), dbSNP rs138157382, ClinGen allele CA85833763.